The following is an entry in ClinVar:

NM_000541.5(SAG):c.807delA (p.Glu270fs)

Gene: SAG (S-antigen visual arrestin; plus strand). Cytogenetic location: 2q37.1.
Variant type: Deletion.
Coding change: c.807delA on transcript NM_000541.5 (MANE Select); coding-DNA position 807, one base deleted (A).
Protein change: p.Glu270fs; shifts the reading frame from glutamic acid 270.
Molecular consequence: frameshift variant.
Genome position (GRCh38, 1-based): chr2:233,334,962, A deleted. VCF-style (leftmost placement, unchanged base first): chr2-233334961-GA-G. GRCh37 (hg19) VCF-style: chr2-234243607-GA-G.
Other names: short protein forms E270fs.
Identifiers: ClinVar variation 1901641 (VCV001901641.5), dbSNP rs1700874955, ClinGen allele CA1043532316.
Genomic context (GRCh38, chr2:233,334,961, plus strand): 5'-GGCTCATGGGGTCCATGGCAGCTTTGATGGTTATAAATCTCCTCTGTTCTTCTTCCTCTA[GA>G]GAAAAAGTGCCACCAAACAGCACTTTGACCAAGACGCTGACGCTGCTGCCCTTGCTGGCT-3'

ClinVar aggregate classification (germline): Pathogenic (1 of 4 stars; one submission).

Allele frequency attached by ClinVar (database versions not stated): gnomAD 0.00001.

Submission:

Labcorp Genetics (formerly Invitae), Labcorp
Classification: Pathogenic. Last evaluated: 2022-04-11. Review status: criteria provided, single submitter. Criteria: Invitae Variant Classification Sherloc (09022015). Collection method: clinical testing. Allele origin: germline.
Comment: For these reasons, this variant has been classified as Pathogenic. Algorithms developed to predict the effect of sequence changes on RNA splicing suggest that this variant may disrupt the consensus splice site. This premature translational stop signal has been observed in individual(s) with Oguchi disease type 1 (PMID: 34162253). This variant is not present in population databases (gnomAD no frequency). This sequence change creates a premature translational stop signal (p.Glu270Lysfs*9) in the SAG gene. It is expected to result in an absent or disrupted protein product. Loss-of-function variants in SAG are known to be pathogenic (PMID: 9452120, 15234147, 22665972).

Literature cited by the submitters: PubMed 34162253; PubMed 9452120; PubMed 15234147; PubMed 22665972.